The following is an entry in ClinVar:

NM_022124.6(CDH23):c.9501dup (p.Arg3168fs)

Gene: CDH23 (cadherin related 23; plus strand). Cytogenetic location: 10q22.1.
Variant type: Duplication.
Coding change: c.9501dup on transcript NM_022124.6 (MANE Select); coding-DNA position 9501, one base duplicated (G; older notation c.9501dupG).
Protein change: p.Arg3168fs; shifts the reading frame from arginine 3168.
Molecular consequence: frameshift variant.
Genome position (GRCh38, 1-based): chr10:71,812,600, G duplicated. VCF-style (leftmost placement, unchanged base first): chr10-71812599-C-CG. GRCh37 (hg19) VCF-style: chr10-73572356-C-CG.
Other names: c.2781dup, p.Arg928fs (NM_001171933.1, NM_001171934.1); c.192dup, p.Arg65fs (NM_001171935.1, NM_001171936.1); short protein forms R3168fs, R65fs, R928fs.
Identifiers: ClinVar variation 2018210 (VCV002018210.4), dbSNP rs2494459916, ClinGen allele CA2580081923.
Genomic context (GRCh38, chr10:71,812,599, plus strand): 5'-AGCATGAGGATGACCTACCGGAGAACCTGAGTGAGATCGCCGACCTGTGGAACAGCCCCA[C>CG]GCGCACCCATGTGAGCCAGAGGCGGTCAGGCATCACAAGGGGCAGGGGTGGAGGGGCTGG-3'

ClinVar aggregate classification (germline): Pathogenic (1 of 4 stars; one submission).

Submission:

Labcorp Genetics (formerly Invitae), Labcorp
Classification: Pathogenic. Last evaluated: 2022-10-13. Review status: criteria provided, single submitter. Criteria: Invitae Variant Classification Sherloc (09022015). Collection method: clinical testing. Allele origin: germline.
Comment: For these reasons, this variant has been classified as Pathogenic. This variant has not been reported in the literature in individuals affected with CDH23-related conditions. This variant is not present in population databases (gnomAD no frequency). This sequence change creates a premature translational stop signal (p.Arg3168Alafs*9) in the CDH23 gene. It is expected to result in an absent or disrupted protein product. Loss-of-function variants in CDH23 are known to be pathogenic (PMID: 11138009, 21940737).

Literature cited by the submitters: PubMed 11138009; PubMed 21940737.